The following is an entry in ClinVar:

NM_001370259.2(MEN1):c.1573A>G (p.Thr525Ala)

Gene: MEN1 (menin 1; minus strand). Cytogenetic location: 11q13.1.
Variant type: single nucleotide variant.
Coding change: c.1573A>G on transcript NM_001370259.2 (MANE Select); coding-DNA position 1573, A replaced by G.
Protein change: p.Thr525Ala; replaces threonine 525 with alanine.
Molecular consequence: missense variant. On other transcripts: non-coding transcript variant (4).
Genome position (GRCh38, 1-based): chr11:64,804,594, T>C on the plus strand (A>G on the coding strand, the complement: MEN1 is on the minus strand). VCF-style: chr11-64804594-T-C. GRCh37 (hg19) VCF-style: chr11-64572066-T-C.
Other names: c.1588A>G, p.Thr530Ala (NM_000244.4, NM_130800.3, NM_130801.3 and 4 more transcripts); c.1699A>G, p.Thr567Ala (NM_001370251.2, NM_001407142.1, NM_001407143.1 and 1 more transcripts); c.1468A>G, p.Thr490Ala (NM_001407148.1, NM_001407149.1, NM_001370262.2 and 1 more transcripts); c.1714A>G, p.Thr572Ala (NM_001407150.1); c.1594A>G, p.Thr532Ala (NM_001407151.1); c.1408A>G, p.Thr470Ala (NM_001407152.1); c.1573A>G, p.Thr525Ala (NM_130799.3, NM_001370260.2, NM_001370261.2 and 2 more transcripts); short protein forms T470A, T490A, T525A, T530A, T532A, T567A, T572A.
Identifiers: ClinVar variation 3387020 (VCV003387020.1).

ClinVar aggregate classification (germline): Uncertain significance (1 of 4 stars; one submission).

Conditions:
Multiple endocrine neoplasia, type 1 (MEN1). Also called: MEN I; WERMER SYNDROME; Endocrine adenomatosis multiple; MEN 1; MEA I. Identifiers: Orphanet 652, MedGen C0025267, MeSH D018761, MONDO:0007540, OMIM 131100.

Submission:

All of Us Research Program, National Institutes of Health
Classification: Uncertain significance for Multiple endocrine neoplasia, type 1. Last evaluated: 2024-04-10. Review status: criteria provided, single submitter. Criteria: ACMG Guidelines, 2015. Collection method: clinical testing. Allele origin: germline. Inheritance: Autosomal dominant inheritance. Observed: 1 variant allele, 1 heterozygote.
Comment: This study involves interpretation of variants in research participants for the purpose of population health screening. Participant phenotype was not available at the time of variant classification. Additional details can be found in publication PMID: 35346344, PMCID: PMC8962531